The following is an entry in ClinVar:

NM_004333.6(BRAF):c.1667T>C (p.Ile556Thr)

Gene: BRAF (B-Raf proto-oncogene, serine/threonine kinase; minus strand). Cytogenetic location: 7q34.
Variant type: single nucleotide variant.
Coding change: c.1667T>C on transcript NM_004333.6 (MANE Select); coding-DNA position 1667, T replaced by C.
Protein change: p.Ile556Thr; replaces isoleucine 556 with threonine.
Molecular consequence: missense variant.
Genome position (GRCh38, 1-based): chr7:140,776,939, A>G on the plus strand (T>C on the coding strand, the complement: BRAF is on the minus strand). VCF-style: chr7-140776939-A-G. GRCh37 (hg19) VCF-style: chr7-140476739-A-G.
Other names: c.1667T>C, p.Ile556Thr (NM_001354609.2, NM_001378468.1, NM_001378474.1); c.1787T>C, p.Ile596Thr (NM_001374244.1, NM_001374258.1); c.1676T>C, p.Ile559Thr (NM_001378467.1); c.1601T>C, p.Ile534Thr (NM_001378469.1); c.1565T>C, p.Ile522Thr (NM_001378470.1); c.1556T>C, p.Ile519Thr (NM_001378471.1); c.1511T>C, p.Ile504Thr (NM_001378472.1, NM_001378473.1); c.1403T>C, p.Ile468Thr (NM_001378475.1); short protein forms I468T, I559T, I519T, I534T, I504T, I522T, I596T, I556T.
Identifiers: ClinVar variation 842833 (VCV000842833.11), dbSNP rs760524720, ClinGen allele CA4516696.
Genomic context (GRCh38, chr7:140,776,939, plus strand): 5'-TAATTTACAAGACATTTAACGAATGGAACTTACTCCATGCCCTGTGCAGTCTGTCGTGCA[A>G]TATCTATAAGTTTGATCATCTCAAATTTGGTCTCAATGATATGGAGATGGTGATACAAGC-3'
Protein context (NP_004324.2, residues 546-566): TKFEMIKLID[Ile556Thr]ARQTAQGMDY

ClinVar aggregate classification (germline): Conflicting classifications of pathogenicity. Review status: criteria provided, conflicting classifications (1 of 4 stars). 3 submissions from 3 submitters: Uncertain significance (2); Likely benign (1). Last evaluated 2025-11-21.

Conditions:
RASopathy. Also called: rasopathies; Noonan spectrum disorder. Identifiers: Orphanet 536391, MedGen C5555857, MONDO:0021060.

Allele frequency attached by ClinVar (database versions not stated): gnomAD exomes 0.00001 and 0.00004; TOPMed 0.00003; ExAC 0.00004.
gnomAD v4.1: 23 of 1,613,460 alleles (0.0014%); highest among the groups gnomAD compares: Admixed American, 0.02%; no homozygotes.

Submissions (3):

Labcorp Genetics (formerly Invitae), Labcorp
Classification: Uncertain significance for RASopathy. Last evaluated: 2025-11-21. Review status: criteria provided, single submitter. Criteria: Invitae Variant Classification Sherloc (09022015). Collection method: clinical testing. Allele origin: germline.
Comment: This sequence change replaces isoleucine, which is neutral and non-polar, with threonine, which is neutral and polar, at codon 556 of the BRAF protein (p.Ile556Thr). This variant is present in population databases (rs760524720, gnomAD 0.03%). This missense change has been observed in individual(s) with clinical features of BRAF-related conditions (internal data). ClinVar contains an entry for this variant (Variation ID: 842833). Invitae Evidence Modeling incorporating data from in vitro experimental studies (internal data) indicates that this missense variant is not expected to disrupt BRAF function with a negative predictive value of 95%. In summary, the available evidence is currently insufficient to determine the role of this variant in disease. Therefore, it has been classified as a Variant of Uncertain Significance.

GeneDx
Classification: Uncertain significance. Last evaluated: 2023-04-13. Review status: criteria provided, single submitter. Criteria: GeneDx Variant Classification Process June 2021. Collection method: clinical testing. Allele origin: germline. Affected: yes.
Comment: Has not been previously published as pathogenic or benign to our knowledge; Missense variants in this gene are often considered pathogenic (HGMD); In silico analysis supports that this missense variant has a deleterious effect on protein structure/function

Women's Health and Genetics/Laboratory Corporation of America, LabCorp
Classification: Likely benign. Last evaluated: 2020-06-29. Review status: criteria provided, single submitter. Criteria: LabCorp Variant Classification Summary - May 2015. Collection method: clinical testing. Allele origin: germline.
Comment: Variant summary: BRAF c.1667T>C (p.Ile556Thr) results in a non-conservative amino acid change located in the Protein kinase domain of the encoded protein sequence. Five of five in-silico tools predict a damaging effect of the variant on protein function. The variant allele was found at a frequency of 4e-05 in 251344 control chromosomes, predominantly at a frequency of 0.00029 within the Latino subpopulation in the gnomAD database. The observed variant frequency within Latino control individuals in the gnomAD database is approximately 116 fold of the estimated maximal expected allele frequency for a pathogenic variant in BRAF causing Noonan Syndrome And Related Conditions phenotype (2.5e-06), strongly suggesting that the variant is a benign polymorphism found primarily in populations of Latino origin. To our knowledge, no occurrence of c.1667T>C in individuals affected with Noonan Syndrome And Related Conditions and no experimental evidence demonstrating its impact on protein function have been reported. One clinical diagnostic laboratory has submitted clinical-significance assessments for this variant to ClinVar after 2014 without evidence for independent evaluation and classified the variant as uncertain significance. Based on the evidence outlined above, the variant was classified as likely benign.